The following is an entry in ClinVar:

NM_001082538.3(TCTN1):c.926C>T (p.Pro309Leu)

Gene: TCTN1 (tectonic family member 1; plus strand). Cytogenetic location: 12q24.11.
Variant type: single nucleotide variant.
Coding change: c.926C>T on transcript NM_001082538.3 (MANE Select); coding-DNA position 926, C replaced by T.
Protein change: p.Pro309Leu; replaces proline 309 with leucine.
Molecular consequence: missense variant. On other transcripts: non-coding transcript variant (1).
Genome position (GRCh38, 1-based): chr12:110,640,465, C>T. VCF-style: chr12-110640465-C-T. GRCh37 (hg19) VCF-style: chr12-111078270-C-T.
Other names: c.746C>T, p.Pro249Leu (NM_001173976.2); c.926C>T, p.Pro309Leu (NM_001319680.2, NM_001082537.3); c.392C>T, p.Pro131Leu (NM_001319681.2); c.884C>T, p.Pro295Leu (NM_024549.6); c.758C>T, p.Pro253Leu (NM_001173975.3); short protein forms P253L, P309L, P131L, P249L, P295L.
Identifiers: ClinVar variation 1431671 (VCV001431671.7), dbSNP rs1291603381, ClinGen allele CA386704711.

ClinVar aggregate classification (germline): Uncertain significance (1 of 4 stars; one submission).

Conditions:
Joubert syndrome. Also called: CEREBELLOPARENCHYMAL DISORDER IV; JOUBERT-BOLTSHAUSER SYNDROME; Familial aplasia of the vermis. Identifiers: Orphanet 475, MedGen C5979921, MONDO:0018772.
Meckel-Gruber syndrome. Also called: DYSENCEPHALIA SPLANCHNOCYSTICA; GRUBER SYNDROME; Dysencephalia splachnocystica. Identifiers: Orphanet 564, MedGen C0265215, MONDO:0018921.

Allele frequency attached by ClinVar (database versions not stated): gnomAD exomes 0.00001; TOPMed 0.00003; gnomAD 0.00004.
gnomAD v4.1: 21 of 1,614,046 alleles (0.0013%); highest among the groups gnomAD compares: African/African-American, 0.0067%; no homozygotes.

Submission:

Labcorp Genetics (formerly Invitae), Labcorp
Classification: Uncertain significance for Joubert syndrome; Meckel-Gruber syndrome. Last evaluated: 2025-08-14. Review status: criteria provided, single submitter. Criteria: Invitae Variant Classification Sherloc (09022015). Collection method: clinical testing. Allele origin: germline.
Comment: This sequence change replaces proline, which is neutral and non-polar, with leucine, which is neutral and non-polar, at codon 309 of the TCTN1 protein (p.Pro309Leu). This variant is present in population databases (no rsID available, gnomAD 0.01%). This variant has not been reported in the literature in individuals affected with TCTN1-related conditions. ClinVar contains an entry for this variant (Variation ID: 1431671). Invitae Evidence Modeling of protein sequence and biophysical properties (such as structural, functional, and spatial information, amino acid conservation, physicochemical variation, residue mobility, and thermodynamic stability) indicates that this missense variant is not expected to disrupt TCTN1 protein function with a negative predictive value of 80%. In summary, the available evidence is currently insufficient to determine the role of this variant in disease. Therefore, it has been classified as a Variant of Uncertain Significance.